The following is an entry in ClinVar:

NM_000077.5(CDKN2A):c.223C>G (p.Pro75Ala)

Gene: CDKN2A (cyclin dependent kinase inhibitor 2A; minus strand). Cytogenetic location: 9p21.3.
Variant type: single nucleotide variant.
Coding change: c.223C>G on transcript NM_000077.5; coding-DNA position 223, C replaced by G.
Protein change: p.Pro75Ala; replaces proline 75 with alanine.
Molecular consequence: missense variant (on NM_000077.6). On other transcripts: 3 prime UTR variant (1).
Genome position (GRCh38, 1-based): chr9:21,971,136, G>C on the plus strand (C>G on the coding strand, the complement: CDKN2A is on the minus strand). VCF-style: chr9-21971136-G-C. GRCh37 (hg19) VCF-style: chr9-21971135-G-C.
Other names: c.223C>G, p.Pro75Ala (NM_000077.6, NM_001195132.2); c.70C>G, p.Pro24Ala (NM_001363763.2); c.266C>G, p.Pro89Arg (NM_058195.4); c.*146C>G (NM_058197.5); short protein forms P24A, P89R, P75A.
Identifiers: ClinVar variation 1788244 (VCV001788244.3), dbSNP rs1202706337, ClinGen allele CA373086294.

ClinVar aggregate classification (germline): Uncertain significance (1 of 4 stars; one submission).

Conditions:
Hereditary cancer-predisposing syndrome. Also called: Hereditary Cancer Syndrome; Hereditary neoplastic syndrome; Neoplastic Syndromes, Hereditary; Tumor predisposition. Identifiers: Orphanet 140162, MedGen C0027672, MeSH D009386, MONDO:0015356.

Submission:

Ambry Genetics
Classification: Uncertain significance for Hereditary cancer-predisposing syndrome. Last evaluated: 2025-10-29. Review status: criteria provided, single submitter. Criteria: Ambry Variant Classification Scheme 2023. Collection method: clinical testing. Allele origin: germline.
Comment: The p.P75A variant (also known as c.223C>G), located in coding exon 2 of the CDKN2A gene, results from a C to G substitution at nucleotide position 223. The proline at codon 75 is replaced by alanine, an amino acid with highly similar properties. Of note, this variant is also known as c.266C>G (p.P89R) in the p14(ARF) isoform. This amino acid position is not well conserved in available vertebrate species. In addition, the in silico prediction for this alteration is inconclusive. Based on the available evidence, the clinical significance of this variant remains unclear.